The following is an entry in ClinVar:

NM_001375524.1(TRRAP):c.10225G>A (p.Ala3409Thr)

Gene: TRRAP (transformation/transcription domain associated protein; plus strand). Cytogenetic location: 7q22.1.
Variant type: single nucleotide variant.
Coding change: c.10225G>A on transcript NM_001375524.1 (MANE Select); coding-DNA position 10225, G replaced by A.
Protein change: p.Ala3409Thr; replaces alanine 3409 with threonine.
Molecular consequence: missense variant.
Genome position (GRCh38, 1-based): chr7:98,994,764, G>A. VCF-style: chr7-98994764-G-A. GRCh37 (hg19) VCF-style: chr7-98592387-G-A.
Other names: c.10183G>A, p.Ala3395Thr (NM_001244580.2); c.10096G>A, p.Ala3366Thr (NM_003496.4); short protein forms A3395T, A3409T, A3366T.
Identifiers: ClinVar variation 3672713 (VCV003672713.2).

ClinVar aggregate classification (germline): Uncertain significance (1 of 4 stars; one submission).

gnomAD v4.1: 3 of 1,614,196 alleles (0.00019%); highest among the groups gnomAD compares: Non-Finnish European, 0.00025%; no homozygotes.

Submission:

Labcorp Genetics (formerly Invitae), Labcorp
Classification: Uncertain significance. Last evaluated: 2024-03-25. Review status: criteria provided, single submitter. Criteria: Invitae Variant Classification Sherloc (09022015). Collection method: clinical testing. Allele origin: germline.
Comment: This sequence change replaces alanine, which is neutral and non-polar, with threonine, which is neutral and polar, at codon 3366 of the TRRAP protein (p.Ala3366Thr). This variant is not present in population databases (gnomAD no frequency). This variant has not been reported in the literature in individuals affected with TRRAP-related conditions. Advanced modeling of protein sequence and biophysical properties (such as structural, functional, and spatial information, amino acid conservation, physicochemical variation, residue mobility, and thermodynamic stability) performed at Invitae indicates that this missense variant is not expected to disrupt TRRAP protein function with a negative predictive value of 80%. In summary, the available evidence is currently insufficient to determine the role of this variant in disease. Therefore, it has been classified as a Variant of Uncertain Significance.